The following is an entry in ClinVar:

NM_152564.5(VPS13B):c.9413G>A (p.Cys3138Tyr)

Gene: VPS13B (vacuolar protein sorting 13 homolog B; plus strand). Cytogenetic location: 8q22.2.
Variant type: single nucleotide variant.
Coding change: c.9413G>A on transcript NM_152564.5 (MANE Select); coding-DNA position 9413, G replaced by A.
Protein change: p.Cys3138Tyr; replaces cysteine 3138 with tyrosine.
Molecular consequence: missense variant.
Genome position (GRCh38, 1-based): chr8:99,832,451, G>A. VCF-style: chr8-99832451-G-A. GRCh37 (hg19) VCF-style: chr8-100844679-G-A.
Other names: c.9488G>A, p.Cys3163Tyr (NM_017890.5); short protein forms C3163Y, C3138Y.
Identifiers: ClinVar variation 570245 (VCV000570245.4), dbSNP rs759831421, ClinGen allele CA371781380.

ClinVar aggregate classification (germline): Uncertain significance. Review status: criteria provided, single submitter (1 of 4 stars). 2 submissions from 2 submitters: Uncertain significance (1). 1 of the submissions does not count toward it. Last evaluated 2018-05-01.

Conditions:
Cohen syndrome (COH1). Also called: PEPPER SYNDROME; Cutis verticis gyrata, retinitis pigmentosa, and sensorineural deafness. Identifiers: Orphanet 193, MedGen C0265223, MONDO:0008999, OMIM 216550.

Allele frequency attached by ClinVar (database versions not stated): TOPMed below 0.00001; gnomAD 0.00001.
gnomAD v4.1: 2 of 1,602,688 alleles (0.00012%); highest among the groups gnomAD compares: Non-Finnish European, 0.00017%; no homozygotes.

Submissions (2):

Labcorp Genetics (formerly Invitae), Labcorp
Classification: Uncertain significance for Cohen syndrome. Last evaluated: 2018-05-01. Review status: criteria provided, single submitter. Criteria: Invitae Variant Classification Sherloc (09022015). Collection method: clinical testing. Allele origin: germline.
Comment: This sequence change replaces cysteine with tyrosine at codon 3163 of the VPS13B protein (p.Cys3163Tyr). The cysteine residue is highly conserved and there is a large physicochemical difference between cysteine and tyrosine. This variant is not present in population databases (ExAC no frequency). This variant has not been reported in the literature in individuals with VPS13B-related disease. Algorithms developed to predict the effect of missense changes on protein structure and function (SIFT, PolyPhen-2, Align-GVGD) all suggest that this variant is likely to be tolerated, but these predictions have not been confirmed by published functional studies and their clinical significance is uncertain. In summary, the available evidence is currently insufficient to determine the role of this variant in disease. Therefore, it has been classified as a Variant of Uncertain Significance.

Natera, Inc.
Classification: Uncertain significance for Cohen syndrome. Last evaluated: 2021-03-01. Review status: no assertion criteria provided. Collection method: clinical testing. Allele origin: germline. Not counted in ClinVar's aggregate classification.